The following is an entry in ClinVar:

ClinVar aggregate classification (germline): Uncertain significance (1 of 4 stars; one submission).

Conditions:
Hereditary cancer-predisposing syndrome. Also called: Neoplastic Syndromes, Hereditary; Tumor predisposition; Hereditary neoplastic syndrome; Hereditary Cancer Syndrome. Identifiers: Orphanet 140162, MedGen C0027672, MeSH D009386, MONDO:0015356.

gnomAD v4.1: 1 of 1,614,054 alleles (0.000062%); highest among the groups gnomAD compares: South Asian, 0.0011%; no homozygotes.

Submission:

Ambry Genetics
Classification: Uncertain significance for Hereditary cancer-predisposing syndrome. Last evaluated: 2026-07-06. Review status: criteria provided, single submitter. Criteria: Ambry Variant Classification Scheme 2023. Collection method: clinical testing. Allele origin: germline.
Comment: The p.V393E variant (also known as c.1178T>A), located in coding exon 9 of the SDHA gene, results from a T to A substitution at nucleotide position 1178. The valine at codon 393 is replaced by glutamic acid, an amino acid with dissimilar properties. This amino acid position is conserved. In addition, this alteration is predicted to be deleterious by in silico analysis. Based on the available evidence, the clinical significance of this variant remains unclear.

NM_004168.4(SDHA):c.1178T>A (p.Val393Glu)

Gene: SDHA (succinate dehydrogenase complex flavoprotein subunit A; plus strand). Cytogenetic location: 5p15.33.
Variant type: single nucleotide variant.
Coding change: c.1178T>A on transcript NM_004168.4 (MANE Select); coding-DNA position 1178, T replaced by A.
Protein change: p.Val393Glu; replaces valine 393 with glutamic acid.
Molecular consequence: missense variant.
Genome position (GRCh38, 1-based): chr5:235,257, T>A. VCF-style: chr5-235257-T-A. GRCh37 (hg19) VCF-style: chr5-235372-T-A.
Other names: c.1034T>A, p.Val345Glu (NM_001294332.2); c.1178T>A, p.Val393Glu (NM_001330758.2); short protein forms V345E, V393E.
Identifiers: ClinVar variation 5029187 (VCV005029187.1).
Genomic context (GRCh38, chr5:235,257, plus strand): 5'-CAGAGCAGCTGGCCACGCGCCTGCCTGGCATTTCAGAGACAGCCATGATCTTCGCTGGCG[T>A]GGACGTCACGAAGGAGCCGATCCCTGTCCTCCCCACCGTGCATTATAACATGGGCGGCAT-3'
Protein context (NP_004159.2, residues 383-403): ISETAMIFAG[Val393Glu]DVTKEPIPVL